The following is an entry in ClinVar:

NM_001035.3(RYR2):c.8926A>G (p.Lys2976Glu)

Gene: RYR2 (ryanodine receptor 2; plus strand). Cytogenetic location: 1q43.
Variant type: single nucleotide variant.
Coding change: c.8926A>G on transcript NM_001035.3 (MANE Select); coding-DNA position 8926, A replaced by G.
Protein change: p.Lys2976Glu; replaces lysine 2976 with glutamic acid.
Molecular consequence: missense variant.
Genome position (GRCh38, 1-based): chr1:237,680,486, A>G. VCF-style: chr1-237680486-A-G. GRCh37 (hg19) VCF-style: chr1-237843786-A-G.
Other names: c.8926A>G (NM_001035.2); short protein forms K2976E.
Identifiers: ClinVar variation 2800933 (VCV002800933.4), dbSNP rs2547249240, ClinGen allele CA345404345.

ClinVar aggregate classification (germline): Uncertain significance. Review status: criteria provided, multiple submitters, no conflicts (2 of 4 stars). 2 submissions from 2 submitters: Uncertain significance (2). Last evaluated 2025-01-10.

Conditions:
Catecholaminergic polymorphic ventricular tachycardia 1. Also called: VENTRICULAR TACHYCARDIA, STRESS-INDUCED POLYMORPHIC 1; VENTRICULAR TACHYCARDIA, CATECHOLAMINERGIC POLYMORPHIC, 1, WITH OR WITHOUT ATRIAL DYSFUNCTION AND/OR DILATED CARDIOMYOPATHY; RYR2-Related Catecholaminergic Polymorphic Ventricular Tachycardia. Identifiers: Orphanet 3286, MedGen C1631597, MONDO:0011484, OMIM 604772.
Cardiovascular phenotype. Identifiers: MedGen CN230736.

Allele frequency attached by ClinVar (database versions not stated): gnomAD exomes below 0.00001.
gnomAD v4.1: 2 of 1,607,494 alleles (0.00012%); highest among the groups gnomAD compares: African/African-American, 0.0013%; no homozygotes.

Submissions (2):

Ambry Genetics
Classification: Uncertain significance for Cardiovascular phenotype. Last evaluated: 2025-01-10. Review status: criteria provided, single submitter. Criteria: Ambry Variant Classification Scheme 2023. Collection method: clinical testing. Allele origin: germline.
Comment: The p.K2976E variant (also known as c.8926A>G), located in coding exon 62 of the RYR2 gene, results from an A to G substitution at nucleotide position 8926. The lysine at codon 2976 is replaced by glutamic acid, an amino acid with similar properties. This amino acid position is highly conserved in available vertebrate species. In addition, the in silico prediction for this alteration is inconclusive. Based on the available evidence, the clinical significance of this variant remains unclear.

Labcorp Genetics (formerly Invitae), Labcorp
Classification: Uncertain significance for Catecholaminergic polymorphic ventricular tachycardia 1. Last evaluated: 2023-03-09. Review status: criteria provided, single submitter. Criteria: Invitae Variant Classification Sherloc (09022015). Collection method: clinical testing. Allele origin: germline.
Comment: This sequence change replaces lysine, which is basic and polar, with glutamic acid, which is acidic and polar, at codon 2976 of the RYR2 protein (p.Lys2976Glu). This variant is not present in population databases (gnomAD no frequency). This variant has not been reported in the literature in individuals affected with RYR2-related conditions. Advanced modeling of protein sequence and biophysical properties (such as structural, functional, and spatial information, amino acid conservation, physicochemical variation, residue mobility, and thermodynamic stability) performed at Invitae indicates that this missense variant is not expected to disrupt RYR2 protein function. In summary, the available evidence is currently insufficient to determine the role of this variant in disease. Therefore, it has been classified as a Variant of Uncertain Significance.